The following is an entry in ClinVar:

NM_001130009.3(GEN1):c.2461A>G (p.Lys821Glu)

Gene: GEN1 (GEN1 Holliday junction 5' flap endonuclease; plus strand). Cytogenetic location: 2p24.2.
Variant type: single nucleotide variant.
Coding change: c.2461A>G on transcript NM_001130009.3 (MANE Select); coding-DNA position 2461, A replaced by G.
Protein change: p.Lys821Glu; replaces lysine 821 with glutamic acid.
Molecular consequence: missense variant.
Genome position (GRCh38, 1-based): chr2:17,781,673, A>G. VCF-style: chr2-17781673-A-G. GRCh37 (hg19) VCF-style: chr2-17962940-A-G.
Other names: c.2461A>G, p.Lys821Glu (NM_182625.5); short protein forms K821E.
Identifiers: ClinVar variation 3519741 (VCV003519741.1).

ClinVar aggregate classification (germline): Uncertain significance (1 of 4 stars; one submission).

Submission:

Ambry Genetics
Classification: Uncertain significance. Last evaluated: 2024-11-24. Review status: criteria provided, single submitter. Criteria: Ambry Variant Classification Scheme 2023. Collection method: clinical testing. Allele origin: germline.
Comment: The p.K821E variant (also known as c.2461A>G), located in coding exon 13 of the GEN1 gene, results from an A to G substitution at nucleotide position 2461. The lysine at codon 821 is replaced by glutamic acid, an amino acid with similar properties. This amino acid position is conserved. In addition, this alteration is predicted to be tolerated by in silico analysis. Based on the available evidence, the clinical significance of this variant remains unclear.